The following is an entry in ClinVar:

ClinVar aggregate classification (germline): Uncertain significance (1 of 4 stars; one submission).

Conditions:
Catecholaminergic polymorphic ventricular tachycardia (CVPT). Also called: Catecholamine-induced polymorphic ventricular tachycardia. Identifiers: Orphanet 3286, MedGen C5574922, MONDO:0017990.

Submission:

All of Us Research Program, National Institutes of Health
Classification: Uncertain significance for Catecholaminergic polymorphic ventricular tachycardia. Last evaluated: 2023-11-30. Review status: criteria provided, single submitter. Criteria: ACMG Guidelines, 2015. Collection method: clinical testing. Allele origin: germline. Inheritance: Autosomal dominant inheritance. Observed: 1 variant allele, 1 heterozygote.
Comment: This study involves interpretation of variants in research participants for the purpose of population health screening. Participant phenotype was not available at the time of variant classification. Additional details can be found in publication PMID: 35346344, PMCID: PMC8962531

NM_001035.3(RYR2):c.2958C>G (p.Ile986Met)

Gene: RYR2 (ryanodine receptor 2; plus strand). Cytogenetic location: 1q43.
Variant type: single nucleotide variant.
Coding change: c.2958C>G on transcript NM_001035.3 (MANE Select); coding-DNA position 2958, C replaced by G.
Protein change: p.Ile986Met; replaces isoleucine 986 with methionine.
Molecular consequence: missense variant.
Genome position (GRCh38, 1-based): chr1:237,548,482, C>G. VCF-style: chr1-237548482-C-G. GRCh37 (hg19) VCF-style: chr1-237711782-C-G.
Other names: short protein forms I986M.
Identifiers: ClinVar variation 3073964 (VCV003073964.1), dbSNP rs748376618, ClinGen allele CA345393531.